The following is an entry in ClinVar:

NM_001048174.2(MUTYH):c.704+7T>A

Gene: MUTYH (mutY DNA glycosylase; minus strand). Cytogenetic location: 1p34.1.
Variant type: single nucleotide variant.
Coding change: c.704+7T>A on transcript NM_001048174.2 (MANE Select); 7 bases into the intron after coding-DNA position 704, T replaced by A.
Molecular consequence: intron variant.
Genome position (GRCh38, 1-based): chr1:45,332,384, A>T on the plus strand (T>A on the coding strand, the complement: MUTYH is on the minus strand). VCF-style: chr1-45332384-A-T. GRCh37 (hg19) VCF-style: chr1-45798056-A-T.
Other names: c.359+7T>A (NM_001350651.2, NM_001350650.2); c.428+7T>A (NM_001293192.2, NM_001293196.2); c.704+7T>A (NM_001048171.2, NM_001048173.2, NM_001293195.2); c.749+7T>A (NM_001293190.2); c.779+7T>A (NM_012222.3); c.788+7T>A (NM_001128425.2); c.707+7T>A (NM_001048172.2); c.737+7T>A (NM_001293191.2).
Identifiers: ClinVar variation 238353 (VCV000238353.17), dbSNP rs369052315, ClinGen allele CA059126.

ClinVar aggregate classification (germline): Likely benign. Review status: criteria provided, multiple submitters, no conflicts (2 of 4 stars). 6 submissions from 6 submitters: Likely benign (6). Last evaluated 2026-01-17.

Conditions:
MUTYH-related disorder. Also called: MUTYH-related condition; MUTYH-related disorders.
Hereditary cancer-predisposing syndrome. Also called: Neoplastic Syndromes, Hereditary; Hereditary neoplastic syndrome; Hereditary Cancer Syndrome; Tumor predisposition. Identifiers: Orphanet 140162, MedGen C0027672, MeSH D009386, MONDO:0015356.
Familial adenomatous polyposis 2. Also called: MYH-associated polyposis; FAP type 2; COLORECTAL ADENOMATOUS POLYPOSIS, AUTOSOMAL RECESSIVE; ADENOMAS, MULTIPLE COLORECTAL, AUTOSOMAL RECESSIVE; MUTYH-related attenuated familial adenomatous polyposis; MUTYH Polyposis. Identifiers: Orphanet 220460, Orphanet 247798, MedGen C3272841, MONDO:0012041, OMIM 608456.

Allele frequency attached by ClinVar (database versions not stated): gnomAD 0.00001; gnomAD exomes 0.00001 and 0.00004; ExAC 0.00002; TOPMed 0.00002; ESP Exome Variant Server 0.00008.
gnomAD v4.1: 59 of 1,614,038 alleles (0.0037%); highest among the groups gnomAD compares: Non-Finnish European, 0.0049%; no homozygotes.

Submissions (6):

Labcorp Genetics (formerly Invitae), Labcorp
Classification: Likely benign for Familial adenomatous polyposis 2. Last evaluated: 2026-01-17. Review status: criteria provided, single submitter. Criteria: Invitae Variant Classification Sherloc (09022015). Collection method: clinical testing. Allele origin: germline.

PreventionGenetics, part of Exact Sciences
Classification: Likely benign for MUTYH-related condition. Last evaluated: 2025-12-31. Review status: criteria provided, single submitter. Criteria: ACMG Guidelines, 2015. Collection method: clinical testing. Allele origin: germline.
Comment: This variant is classified as likely benign based on ACMG/AMP sequence variant interpretation guidelines (Richards et al. 2015 PMID: 25741868, with internal and published modifications).

Center for Genomic Medicine, Rigshospitalet, Copenhagen University Hospital
Classification: Likely benign. Last evaluated: 2025-03-04. Review status: criteria provided, single submitter. Criteria: ACMG Guidelines, 2015. Collection method: clinical testing. Allele origin: germline.

Quest Diagnostics Nichols Institute San Juan Capistrano
Classification: Likely benign. Last evaluated: 2021-07-02. Review status: criteria provided, single submitter. Criteria: Quest Diagnostics criteria. Collection method: clinical testing. Allele origin: unknown.

Color Diagnostics, LLC DBA Color Health
Classification: Likely benign for Hereditary cancer-predisposing syndrome. Last evaluated: 2017-05-11. Review status: criteria provided, single submitter. Criteria: ACMG Guidelines, 2015. Collection method: clinical testing. Allele origin: germline.

GeneDx
Classification: Likely benign. Last evaluated: 2016-07-06. Review status: criteria provided, single submitter. Criteria: GeneDx Variant Classification (06012015). Collection method: clinical testing. Allele origin: germline. Affected: yes.
Comment: This variant is considered likely benign or benign based on one or more of the following criteria: it is a conservative change, it occurs at a poorly conserved position in the protein, it is predicted to be benign by multiple in silico algorithms, and/or has population frequency not consistent with disease.